The following is an entry in ClinVar:

ClinVar aggregate classification (germline): Uncertain significance. Review status: criteria provided, multiple submitters, no conflicts (2 of 4 stars). 2 submissions from 2 submitters: Uncertain significance (2). Last evaluated 2025-05-05.

Conditions:
Short-rib thoracic dysplasia 13 with or without polydactyly (SRTD13). Identifiers: Orphanet 474, MedGen C4225378, MONDO:0014577, OMIM 616300.

Allele frequency attached by ClinVar (database versions not stated): TOPMed below 0.00001; gnomAD exomes 0.00001; ExAC 0.00002.
gnomAD v4.1: 8 of 1,614,148 alleles (0.0005%); highest among the groups gnomAD compares: South Asian, 0.0088%; no homozygotes.

Submissions (2):

Labcorp Genetics (formerly Invitae), Labcorp
Classification: Uncertain significance for Short-rib thoracic dysplasia 13 with or without polydactyly. Last evaluated: 2025-05-05. Review status: criteria provided, single submitter. Criteria: Invitae Variant Classification Sherloc (09022015). Collection method: clinical testing. Allele origin: germline.
Comment: This sequence change replaces alanine, which is neutral and non-polar, with proline, which is neutral and non-polar, at codon 308 of the CEP120 protein (p.Ala308Pro). This variant is present in population databases (rs772046806, gnomAD 0.01%). This variant has not been reported in the literature in individuals affected with CEP120-related conditions. ClinVar contains an entry for this variant (Variation ID: 1331245). Invitae Evidence Modeling of protein sequence and biophysical properties (such as structural, functional, and spatial information, amino acid conservation, physicochemical variation, residue mobility, and thermodynamic stability) indicates that this missense variant is not expected to disrupt CEP120 protein function with a negative predictive value of 80%. In summary, the available evidence is currently insufficient to determine the role of this variant in disease. Therefore, it has been classified as a Variant of Uncertain Significance.

GeneDx
Classification: Uncertain significance. Last evaluated: 2021-06-28. Review status: criteria provided, single submitter. Criteria: GeneDx Variant Classification Process June 2021. Collection method: clinical testing. Allele origin: germline. Affected: yes.
Comment: Not observed at significant frequency in large population cohorts (Lek et al., 2016); In silico analysis supports that this missense variant does not alter protein structure/function; Has not been previously published as pathogenic or benign to our knowledge; This variant is associated with the following publications: (PMID: 27535533)

NM_001375405.1(CEP120):c.922G>C (p.Ala308Pro)

Gene: CEP120 (centrosomal protein 120; minus strand). Cytogenetic location: 5q23.2.
Variant type: single nucleotide variant.
Coding change: c.922G>C on transcript NM_001375405.1 (MANE Select); coding-DNA position 922, G replaced by C.
Protein change: p.Ala308Pro; replaces alanine 308 with proline.
Molecular consequence: missense variant. On other transcripts: non-coding transcript variant (1).
Genome position (GRCh38, 1-based): chr5:123,391,226, C>G on the plus strand (G>C on the coding strand, the complement: CEP120 is on the minus strand). VCF-style: chr5-123391226-C-G. GRCh37 (hg19) VCF-style: chr5-122726920-C-G.
Other names: c.844G>C, p.Ala282Pro (NM_001166226.2); c.922G>C, p.Ala308Pro (NM_001375406.1, NM_001375407.1, NM_153223.4); c.349G>C, p.Ala117Pro (NM_001375408.1, NM_001375409.1); short protein forms A117P, A282P, A308P.
Identifiers: ClinVar variation 1331245 (VCV001331245.9), dbSNP rs772046806, ClinGen allele CA3387101.